The following is an entry in ClinVar:

NM_000431.4(MVK):c.811A>G (p.Ile271Val)

Gene: MVK (mevalonate kinase; plus strand). Cytogenetic location: 12q24.11.
Variant type: single nucleotide variant.
Coding change: c.811A>G on transcript NM_000431.4 (MANE Select); coding-DNA position 811, A replaced by G.
Protein change: p.Ile271Val; replaces isoleucine 271 with valine.
Molecular consequence: missense variant. On other transcripts: non-coding transcript variant (4).
Genome position (GRCh38, 1-based): chr12:109,591,283, A>G. VCF-style: chr12-109591283-A-G. GRCh37 (hg19) VCF-style: chr12-110029088-A-G.
Other names: c.811A>G, p.Ile271Val (NM_001114185.3, NM_001414511.1, NM_001414513.1); c.655A>G, p.Ile219Val (NM_001301182.2, NM_001414514.1); c.886A>G, p.Ile296Val (NM_001414512.1); c.229A>G, p.Ile77Val (NM_001414515.1); short protein forms I296V, I271V, I219V, I77V.
Identifiers: ClinVar variation 4790406 (VCV004790406.1).

ClinVar aggregate classification (germline): Uncertain significance (1 of 4 stars; one submission).

Conditions:
Mevalonic aciduria (MEVA). Identifiers: Orphanet 29, MedGen C1959626, MONDO:0012481, OMIM 610377.
Hyperimmunoglobulin D with periodic fever (HIDS). Also called: HYPERIMMUNOGLOBULINEMIA D AND PERIODIC FEVER SYNDROME; Hyperimmunoglobulinemia D; Hyperimmunoglobulinemia D with periodic fever. Identifiers: Orphanet 343, MedGen C0398691, MONDO:0009849, OMIM 260920.
Porokeratosis 3, disseminated superficial actinic type (POROK3). Also called: POROKERATOSIS, DISSEMINATED SUPERFICIAL ACTINIC, 1; POROKERATOSIS 3, MULTIPLE TYPES; POROKERATOSIS 3, MIBELLI TYPE. Identifiers: MedGen C1867981, MONDO:0008293, OMIM 175900.

Submission:

Labcorp Genetics (formerly Invitae), Labcorp
Classification: Uncertain significance for Mevalonic aciduria; Hyperimmunoglobulin D with periodic fever; Porokeratosis 3, disseminated superficial actinic type. Last evaluated: 2025-03-19. Review status: criteria provided, single submitter. Criteria: Invitae Variant Classification Sherloc (09022015). Collection method: clinical testing. Allele origin: germline.
Comment: This sequence change replaces isoleucine, which is neutral and non-polar, with valine, which is neutral and non-polar, at codon 271 of the MVK protein (p.Ile271Val). This variant is not present in population databases (gnomAD no frequency). This missense change has been observed in individual(s) with clinical features of mevalonate kinase deficiency (internal data). In at least one individual the data is consistent with being in trans (on the opposite chromosome) from a pathogenic variant. An algorithm developed to predict the effect of missense changes on protein structure and function outputs the following: PolyPhen-2: "Benign". The valine amino acid residue is found in multiple mammalian species, which suggests that this missense change does not adversely affect protein function. In summary, the available evidence is currently insufficient to determine the role of this variant in disease. Therefore, it has been classified as a Variant of Uncertain Significance.